The following is an entry in ClinVar:

NM_000038.6(APC):c.3793del (p.Glu1265fs)

Gene: APC (APC regulator of Wnt signaling pathway; plus strand). Cytogenetic location: 5q22.2.
Variant type: Deletion.
Coding change: c.3793del on transcript NM_000038.6 (MANE Select); coding-DNA position 3793, one base deleted (G; older notation c.3793delG).
Protein change: p.Glu1265fs; shifts the reading frame from glutamic acid 1265.
Molecular consequence: frameshift variant. On other transcripts: non-coding transcript variant (2).
Genome position (GRCh38, 1-based): chr5:112,839,387, G deleted. VCF-style (leftmost placement, unchanged base first): chr5-112839386-AG-A. GRCh37 (hg19) VCF-style: chr5-112175083-AG-A.
Other names: c.3793del, p.Glu1265fs (NM_001127510.3, NM_001354895.2, NM_001407450.1); c.3739del, p.Glu1247fs (NM_001127511.3); c.3847del, p.Glu1283fs (NM_001354896.2, NM_001407447.1, NM_001407448.1 and 1 more transcripts); c.3823del, p.Glu1275fs (NM_001354897.2); c.3718del, p.Glu1240fs (NM_001354898.2); c.3709del, p.Glu1237fs (NM_001354899.2); c.3670del, p.Glu1224fs (NM_001354900.2); c.3616del, p.Glu1206fs (NM_001354901.2, NM_001407453.1); and 11 more; short protein forms E1139fs, E1164fs, E1224fs, E1237fs, E1247fs, E1293fs, E881fs, E1240fs.
Identifiers: ClinVar variation 3722734 (VCV003722734.2).

ClinVar aggregate classification (germline): Pathogenic (1 of 4 stars; one submission).

Conditions:
Familial adenomatous polyposis 1 (FAP1). Also called: FAMILIAL ADENOMATOUS POLYPOSIS 1, ATTENUATED; POLYPOSIS, ADENOMATOUS INTESTINAL. Identifiers: MedGen C2713442, MONDO:0021056, OMIM 175100. Disease mechanism: loss of function.

Submission:

Labcorp Genetics (formerly Invitae), Labcorp
Classification: Pathogenic for Familial adenomatous polyposis 1. Last evaluated: 2024-10-11. Review status: criteria provided, single submitter. Criteria: Invitae Variant Classification Sherloc (09022015). Collection method: clinical testing. Allele origin: germline.
Comment: This sequence change creates a premature translational stop signal (p.Glu1265Lysfs*23) in the APC gene. While this is not anticipated to result in nonsense mediated decay, it is expected to disrupt the last 1579 amino acid(s) of the APC protein. This variant is not present in population databases (gnomAD no frequency). This variant has not been reported in the literature in individuals affected with APC-related conditions. This variant is expected to disrupt the EB1 and HDLG binding sites, which mediate interactions with the cytoskeleton (PMID: 15311282, 17293347). While functional studies have not been performed to directly test the effect on APC protein function, this suggests that disruption of the C-terminal portion of the protein is functionally important. A different truncation (p.Tyr2645Lysfs*14) that lies downstream of this variant has been determined to be pathogenic (PMID: 9824584, 1316610, 27081525, 8381579, 22135120, internal data). This suggests that deletion of this region of the APC protein is causative of disease. For these reasons, this variant has been classified as Pathogenic.

Literature cited by the submitters: PubMed 15311282; PubMed 17293347; PubMed 9824584; PubMed 1316610; PubMed 27081525; PubMed 8381579; PubMed 22135120.